The following is an entry in ClinVar:

NM_000292.3(PHKA2):c.1420C>T (p.Gln474Ter)

Gene: PHKA2 (phosphorylase kinase regulatory subunit alpha 2; minus strand). Cytogenetic location: Xp22.13.
Variant type: single nucleotide variant.
Coding change: c.1420C>T on transcript NM_000292.3 (MANE Select); coding-DNA position 1420, C replaced by T.
Protein change: p.Gln474Ter; replaces glutamine 474 with a stop codon.
Molecular consequence: nonsense.
Genome position (GRCh38, 1-based): chrX:18,926,492, G>A on the plus strand (C>T on the coding strand, the complement: PHKA2 is on the minus strand). VCF-style: chrX-18926492-G-A. GRCh37 (hg19) VCF-style: chrX-18944610-G-A.
Other names: short protein forms Q474*.
Identifiers: ClinVar variation 2101957 (VCV002101957.4), dbSNP rs2518700813, ClinGen allele CA412393640.

ClinVar aggregate classification (germline): Pathogenic (1 of 4 stars; one submission).

Conditions:
Glycogen storage disease IXa1. Also called: LIVER GLYCOGENOSIS, X-LINKED, TYPE I; GLYCOGEN STORAGE DISEASE VIII; GSD VIII; Glycogen storage disease 8. Identifiers: Orphanet 264580, MedGen C3694531, MONDO:0010598, OMIM 306000.

Submission:

Labcorp Genetics (formerly Invitae), Labcorp
Classification: Pathogenic for Glycogen storage disease IXa1. Last evaluated: 2022-05-06. Review status: criteria provided, single submitter. Criteria: Invitae Variant Classification Sherloc (09022015). Collection method: clinical testing. Allele origin: germline.
Comment: This variant is not present in population databases (gnomAD no frequency). For these reasons, this variant has been classified as Pathogenic. This variant has not been reported in the literature in individuals affected with PHKA2-related conditions. This sequence change creates a premature translational stop signal (p.Gln474*) in the PHKA2 gene. It is expected to result in an absent or disrupted protein product. Loss-of-function variants in PHKA2 are known to be pathogenic (PMID: 7711737, 10330341).

Literature cited by the submitters: PubMed 7711737; PubMed 10330341.